The following is an entry in ClinVar:

NM_000540.3(RYR1):c.2176G>C (p.Ala726Pro)

Gene: RYR1 (ryanodine receptor 1; plus strand). Cytogenetic location: 19q13.2.
Variant type: single nucleotide variant.
Coding change: c.2176G>C on transcript NM_000540.3 (MANE Select); coding-DNA position 2176, G replaced by C.
Protein change: p.Ala726Pro; replaces alanine 726 with proline.
Molecular consequence: missense variant.
Genome position (GRCh38, 1-based): chr19:38,459,154, G>C. VCF-style: chr19-38459154-G-C. GRCh37 (hg19) VCF-style: chr19-38949794-G-C.
Other names: c.2176G>C, p.Ala726Pro (NM_001042723.2); short protein forms A726P.
Identifiers: ClinVar variation 4802114 (VCV004802114.1).
Genomic context (GRCh38, chr19:38,459,154, plus strand): 5'-ATTGGTTCTGTGGGACCTGTGACGTCTGACCCATCTCTGGTGACTGATGCAGGACACGTG[G>C]CACGCCCAGTGACTTCCCCAGGGCAGCACCTCCTGGCCCCTGAAGACGTGATCAGCTGCT-3'
Protein context (NP_000531.2, residues 716-736): DGLHLWTGHV[Ala726Pro]RPVTSPGQHL

ClinVar aggregate classification (germline): Uncertain significance (1 of 4 stars; one submission).

Conditions:
RYR1-related disorder. Also called: RYR1-related condition; RYR1-related disorders. Identifiers: MedGen CN239331.

Submission:

Labcorp Genetics (formerly Invitae), Labcorp
Classification: Uncertain significance for RYR1-related disorder. Last evaluated: 2025-03-31. Review status: criteria provided, single submitter. Criteria: Invitae Variant Classification Sherloc (09022015). Collection method: clinical testing. Allele origin: germline.
Comment: This sequence change replaces alanine, which is neutral and non-polar, with proline, which is neutral and non-polar, at codon 726 of the RYR1 protein (p.Ala726Pro). This variant is not present in population databases (gnomAD no frequency). This variant has not been reported in the literature in individuals affected with RYR1-related conditions. Invitae Evidence Modeling of protein sequence and biophysical properties (such as structural, functional, and spatial information, amino acid conservation, physicochemical variation, residue mobility, and thermodynamic stability) indicates that this missense variant is not expected to disrupt RYR1 protein function with a negative predictive value of 95%. In summary, the available evidence is currently insufficient to determine the role of this variant in disease. Therefore, it has been classified as a Variant of Uncertain Significance.